The following is an entry in ClinVar:

ClinVar aggregate classification (germline): Pathogenic (0 of 4 stars; one submission).

Conditions:
Fanconi anemia complementation group A (FANCA). Also called: Fanconi anemia, group A; FANCA-Related Fanconi Anemia. Identifiers: Orphanet 84, MedGen C3469521, MONDO:0009215, OMIM 227650.

Submission:

Leiden Open Variation Database
Classification: Pathogenic for Fanconi anemia complementation group A. Last evaluated: 2020-02-28. Review status: no assertion criteria provided. Collection method: curation. Allele origin: germline. Affected: yes.
Comment: Curator: Arleen D. Auerbach. Submitter to LOVD: Arleen D. Auerbach.

Literature cited by the submitters: PubMed 10521298.

NC_000016.10:g.(89808368_89810706)_(89810803_89810928)del

Gene: FANCA (FA complementation group A; minus strand). Cytogenetic location: 16q24.3.
Variant type: Deletion.
Identifiers: ClinVar variation 974188 (VCV000974188.1).